The following is an entry in ClinVar:

ClinVar aggregate classification (germline): Likely pathogenic (1 of 4 stars; one submission).

Conditions:
L1 syndrome. Identifiers: Orphanet 275543, MedGen C5779710, MONDO:0017140.

Submission:

Victorian Clinical Genetics Services, Murdoch Childrens Research Institute
Classification: Likely pathogenic for L1 syndrome. Last evaluated: 2026-03-10. Review status: criteria provided, single submitter. Criteria: ACMG Guidelines, 2015. Collection method: clinical testing. Allele origin: germline. Affected: yes.
Comment: This variant is classified as Likely pathogenic. Evidence in support of pathogenic classification: Canonical splice site variant without proven consequence on splicing (no functional evidence available); Variant is absent from gnomAD (v2, v3 and v4); Other splice variant(s) comparable to the one identified in this case have moderate previous evidence for pathogenicity. c.694+1G>A has been reported in an individual affected with hydrocephalus, with congenital stenosis of aqueduct of Sylvis (HSAS; LOVD). c.694+5G>A has been reported in a family with severe L1 syndrome (PMID: 17328266); Abnormal splicing is predicted by in silico tool and affected nucleotide is highly conserved; Very strong and specific phenotype match for this individual. Additional information: This variant is heterozygous; This gene is associated with X-linked recessive disease; This variant has no previous evidence of pathogenicity; No published evidence of segregation with disease has been identified for this variant; No published functional evidence has been identified for this variant; Loss of function is a known mechanism of disease in this gene and is associated with partial agenesis of corpus callosum (MIM#304100), congenital hydrocephalus (MIM#307000), and MASA syndrome (MIM#303350); Variants in this gene are known to have variable expressivity. Both interfamilial and intrafamilial variability have been reported (PMIDs: 7562969, 16650080).

Literature cited by the submitters: PubMed 7562969; PubMed 17328266; PubMed 16650080.

NM_001278116.2(L1CAM):c.694+2T>C

Gene: L1CAM (L1 cell adhesion molecule; minus strand). Cytogenetic location: Xq28.
Variant type: single nucleotide variant.
Coding change: c.694+2T>C on transcript NM_001278116.2 (MANE Select); the canonical splice donor site of the intron after coding-DNA position 694, T replaced by C.
Molecular consequence: splice donor variant.
Genome position (GRCh38, 1-based): chrX:153,870,788, A>G on the plus strand (T>C on the coding strand, the complement: L1CAM is on the minus strand). VCF-style: chrX-153870788-A-G. GRCh37 (hg19) VCF-style: chrX-153136243-A-G.
Other names: c.679+2T>C (NM_001143963.2); c.694+2T>C (NM_024003.3, NM_000425.5).
Identifiers: ClinVar variation 4532168 (VCV004532168.3).